The following is an entry in ClinVar:

NM_017617.5(NOTCH1):c.1627_1669+11del

Gene: NOTCH1 (notch receptor 1; minus strand). Cytogenetic location: 9q34.3.
Variant type: Deletion.
Coding change: c.1627_1669+11del on transcript NM_017617.5 (MANE Select); coding-DNA position 1627 through 11 bases into the intron after coding-DNA position 1669, 54 bases deleted.
Molecular consequence: splice donor variant.
Genome position (GRCh38, 1-based): chr9:136,515,970-136,516,023, 54 bases deleted. GRCh37 (hg19): chr9:139,410,423-139,410,476.
Identifiers: ClinVar variation 2812183 (VCV002812183.3), dbSNP rs2540457665, ClinGen allele CA2739265201.

ClinVar aggregate classification (germline): Likely pathogenic (1 of 4 stars; one submission).

Conditions:
Adams-Oliver syndrome 5 (AOS5). Identifiers: Orphanet 974, MedGen C4014970, MONDO:0014459, OMIM 616028.

Submission:

Labcorp Genetics (formerly Invitae), Labcorp
Classification: Likely pathogenic for Adams-Oliver syndrome 5. Last evaluated: 2023-04-11. Review status: criteria provided, single submitter. Criteria: Invitae Variant Classification Sherloc (09022015). Collection method: clinical testing. Allele origin: germline.
Comment: This variant results in the deletion of part of exon 10 (c.1627_1669+11del) of the NOTCH1 gene. It is expected to disrupt RNA splicing. Variants that disrupt the donor or acceptor splice site typically lead to a loss of protein function (PMID: 16199547), and loss-of-function variants in NOTCH1 are known to be pathogenic (PMID: 16025100, 21457232, 25132448, 25963545). This variant is not present in population databases (gnomAD no frequency). This variant has not been reported in the literature in individuals affected with NOTCH1-related conditions. Algorithms developed to predict the effect of sequence changes on RNA splicing suggest that this variant may disrupt the consensus splice site. In summary, the currently available evidence indicates that the variant is pathogenic, but additional data are needed to prove that conclusively. Therefore, this variant has been classified as Likely Pathogenic.

Literature cited by the submitters: PubMed 16199547; PubMed 16025100; PubMed 21457232; PubMed 25132448; PubMed 25963545.